The following is an entry in ClinVar:

ClinVar aggregate classification (germline): Conflicting classifications of pathogenicity. Review status: criteria provided, conflicting classifications (1 of 4 stars). 4 submissions from 4 submitters: Uncertain significance (2); Likely benign (2). Last evaluated 2025-08-18.

Conditions:
Charcot-Marie-Tooth disease type 2. Also called: Charcot-Marie-Tooth type 2. Identifiers: Orphanet 64746, MedGen C0270914, MONDO:0018993.
GARS1-related disorder. Also called: GARS1-related condition.

Allele frequency attached by ClinVar (database versions not stated): gnomAD 0.00003 and 0.00004; TOPMed 0.00005; ExAC 0.00009; 1000 Genomes Project 0.00020; 1000 Genomes Project 30x 0.00031.
gnomAD v4.1: 42 of 1,614,128 alleles (0.0026%); highest among the groups gnomAD compares: Admixed American, 0.045%; no homozygotes.

Submissions (4):

Labcorp Genetics (formerly Invitae), Labcorp
Classification: Likely benign for Charcot-Marie-Tooth disease type 2. Last evaluated: 2025-08-18. Review status: criteria provided, single submitter. Criteria: Invitae Variant Classification Sherloc (09022015). Collection method: clinical testing. Allele origin: germline.

PreventionGenetics, part of Exact Sciences
Classification: Likely benign for GARS1-related condition. Last evaluated: 2025-06-03. Review status: criteria provided, single submitter. Criteria: ACMG Guidelines, 2015. Collection method: clinical testing. Allele origin: germline.
Comment: This variant is classified as likely benign based on ACMG/AMP sequence variant interpretation guidelines (Richards et al. 2015 PMID: 25741868, with internal and published modifications).

GeneDx
Classification: Uncertain significance. Last evaluated: 2025-04-04. Review status: criteria provided, single submitter. Criteria: GeneDx Variant Classification Process June 2021. Collection method: clinical testing. Allele origin: germline. Affected: yes.
Comment: Has not been previously published as pathogenic or benign to our knowledge; In silico analysis indicates that this missense variant does not alter protein structure/function

Ambry Genetics
Classification: Uncertain significance. Last evaluated: 2022-05-03. Review status: criteria provided, single submitter. Criteria: Ambry Variant Classification Scheme 2023. Collection method: clinical testing. Allele origin: germline.
Comment: The p.H641Y variant (also known as c.1921C>T), located in coding exon 16 of the GARS gene, results from a C to T substitution at nucleotide position 1921. The histidine at codon 641 is replaced by tyrosine, an amino acid with similar properties. This amino acid position is conserved. In addition, this alteration is predicted to be tolerated by in silico analysis. Based on the supporting evidence, this variant is unlikely to be causative of GARS-associated axonal neuropathy (AD); however, its contribution to the development of cytoplasmic and mitochondrial glycine-tRNA ligase deficiency (AR) is uncertain.

NM_002047.4(GARS1):c.1921C>T (p.His641Tyr)

Gene: GARS1 (glycyl-tRNA synthetase 1; plus strand). Cytogenetic location: 7p14.3.
Variant type: single nucleotide variant.
Coding change: c.1921C>T on transcript NM_002047.4 (MANE Select); coding-DNA position 1921, C replaced by T.
Protein change: p.His641Tyr; replaces histidine 641 with tyrosine.
Molecular consequence: missense variant.
Genome position (GRCh38, 1-based): chr7:30,632,264, C>T. VCF-style: chr7-30632264-C-T. GRCh37 (hg19) VCF-style: chr7-30671880-C-T.
Other names: c.1921C>T (LRG_243t1, NM_002047.3); c.1759C>T, p.His587Tyr (NM_001316772.1); short protein forms H641Y, H587Y.
Identifiers: ClinVar variation 661466 (VCV000661466.16), dbSNP rs191270471, ClinGen allele CA4206124.